The following is an entry in ClinVar:

ClinVar aggregate classification (germline): Uncertain significance. Review status: criteria provided, multiple submitters, no conflicts (2 of 4 stars). 2 submissions from 2 submitters: Uncertain significance (2). Last evaluated 2023-12-19.

Conditions:
Congenital myasthenic syndrome 8. Also called: Myasthenic syndrome, congenital, 8, with pre- and postsynaptic defects; MYASTHENIC SYNDROME, CONGENITAL, DUE TO AGRIN DEFICIENCY. Identifiers: Orphanet 590, MedGen C3808739, MONDO:0014052, OMIM 615120.
Inborn genetic diseases. Identifiers: MedGen C0950123, MeSH D030342.

Allele frequency attached by ClinVar (database versions not stated): ESP Exome Variant Server 0.00015; gnomAD exomes 0.00002; ExAC 0.00004; TOPMed 0.00005; gnomAD 0.00008 and 0.00009.

Submissions (2):

Labcorp Genetics (formerly Invitae), Labcorp
Classification: Uncertain significance for Congenital myasthenic syndrome 8. Last evaluated: 2023-12-19. Review status: criteria provided, single submitter. Criteria: Invitae Variant Classification Sherloc (09022015). Collection method: clinical testing. Allele origin: germline.
Comment: This sequence change replaces arginine, which is basic and polar, with tryptophan, which is neutral and slightly polar, at codon 1465 of the AGRN protein (p.Arg1465Trp). This variant is present in population databases (rs149011678, gnomAD 0.03%). This variant has not been reported in the literature in individuals affected with AGRN-related conditions. ClinVar contains an entry for this variant (Variation ID: 659281). An algorithm developed to predict the effect of missense changes on protein structure and function (PolyPhen-2) suggests that this variant is likely to be disruptive. In summary, the available evidence is currently insufficient to determine the role of this variant in disease. Therefore, it has been classified as a Variant of Uncertain Significance.

Ambry Genetics
Classification: Uncertain significance for Inborn genetic diseases. Last evaluated: 2021-10-12. Review status: criteria provided, single submitter. Criteria: Ambry Variant Classification Scheme 2023. Collection method: clinical testing. Allele origin: germline.

NM_198576.4(AGRN):c.4393C>T (p.Arg1465Trp)

Gene: AGRN (agrin; plus strand). Cytogenetic location: 1p36.33.
Variant type: single nucleotide variant.
Coding change: c.4393C>T on transcript NM_198576.4 (MANE Select); coding-DNA position 4393, C replaced by T.
Protein change: p.Arg1465Trp; replaces arginine 1465 with tryptophan.
Molecular consequence: missense variant.
Genome position (GRCh38, 1-based): chr1:1,049,330, C>T. VCF-style: chr1-1049330-C-T. GRCh37 (hg19) VCF-style: chr1-984710-C-T.
Other names: c.4393C>T, p.Arg1465Trp (NM_001305275.2); c.4078C>T, p.Arg1360Trp (NM_001364727.2); short protein forms R1360W, R1465W.
Identifiers: ClinVar variation 659281 (VCV000659281.7), dbSNP rs149011678, ClinGen allele CA509445.
Genomic context (GRCh38, chr1:1,049,330, plus strand): 5'-AGTGCCGTGCCGGTAGAGCCGGGCCAGTGGCACCGCCTGGAGCTGTCCCGGCACTGGCGC[C>T]GGGGCACCCTCTCGGTGGATGGTGAGACCCCTGTTCTGGGCGAGAGTCCCAGTGGCACCG-3'
Protein context (NP_940978.2, residues 1455-1475): HRLELSRHWR[Arg1465Trp]GTLSVDGETP